The following is an entry in ClinVar:

NM_016327.3(UPB1):c.225G>T (p.Gly75=)

Gene: UPB1 (beta-ureidopropionase 1; plus strand). Cytogenetic location: 22q11.23.
Variant type: single nucleotide variant.
Coding change: c.225G>T on transcript NM_016327.3 (MANE Select); coding-DNA position 225, G replaced by T.
Protein change: p.Gly75=; no amino-acid change (glycine 75 retained).
Molecular consequence: synonymous variant.
Genome position (GRCh38, 1-based): chr22:24,500,227, G>T. VCF-style: chr22-24500227-G-T. GRCh37 (hg19) VCF-style: chr22-24896195-G-T.
Identifiers: ClinVar variation 903159 (VCV000903159.12), dbSNP rs150740488, ClinGen allele CA10153047.
Genomic context (GRCh38, chr22:24,500,227, plus strand): 5'-GGGATATGCCTTTGAAGCAGCGGAGGAGCAGCTGAGACGACCCCGCATTGTGCACGTGGG[G>T]CTGGTTCAGAACAGAATCCCCCTCCCCGCAAATGCCCCTGTGGCAGAACAGGTGCAGACT-3'
Protein context (NP_057411.1, residues 65-85): QLRRPRIVHV[Gly75=]LVQNRIPLPA

ClinVar aggregate classification (germline): Conflicting classifications of pathogenicity. Review status: criteria provided, conflicting classifications (1 of 4 stars). 3 submissions from 3 submitters: Uncertain significance (2); Likely benign (1). Last evaluated 2025-10-09.

Conditions:
Deficiency of beta-ureidopropionase (UPB1D). Also called: Beta-ureidopropionase deficiency. Identifiers: Orphanet 65287, MedGen C1291512, MONDO:0013164, OMIM 613161.

Allele frequency attached by ClinVar (database versions not stated): ESP Exome Variant Server 0.00008; gnomAD exomes 0.00008 and 0.00017; gnomAD 0.00011; TOPMed 0.00011; ExAC 0.00012.
gnomAD v4.1: 134 of 1,614,104 alleles (0.0083%); highest among the groups gnomAD compares: South Asian, 0.052%; no homozygotes.

Submissions (3):

Labcorp Genetics (formerly Invitae), Labcorp
Classification: Likely benign. Last evaluated: 2025-10-09. Review status: criteria provided, single submitter. Criteria: Invitae Variant Classification Sherloc (09022015). Collection method: clinical testing. Allele origin: germline.

New York Genome Center
Classification: Uncertain significance for Deficiency of beta-ureidopropionase. Last evaluated: 2021-04-22. Review status: criteria provided, single submitter. Criteria: NYGC Assertion Criteria 2020. Collection method: clinical testing. Allele origin: inherited. Observed: 1 compound heterozygote. Study: CSER-NYCKidSeq.
Comment: The inherited heterozygous c.225G>T (p.Gly75=) synonymous variant identified in the UPB1 gene has not been reported in affected individuals in the literature. The variant has 0.0001117 allele frequency in the gnomAD (v3) database (17out of 152,212 heterozygous alleles, no homozygotes) suggesting it is not a common benign variant in the populations represented in that database. In silico prediction tools suggest that the c.225G>T (p.Gly75=)variant may affect the normal mRNA splicing of UPB1 (Splice AI score=0.81, TRAP score =0.169). Based on the available evidence, the inherited c.225G>T (p.Gly75=) synonymous variant identified in the UPB1 gene is reportedas a variant of uncertain significance.

Illumina Laboratory Services, Illumina
Classification: Uncertain significance for Deficiency of beta-ureidopropionase. Last evaluated: 2018-01-13. Review status: criteria provided, single submitter. Criteria: ICSL Variant Classification Criteria 13 December 2019. Collection method: clinical testing. Allele origin: germline.